The following is an entry in ClinVar:

ClinVar aggregate classification (germline): Conflicting classifications of pathogenicity. Review status: criteria provided, conflicting classifications (1 of 4 stars). 4 submissions from 4 submitters: Uncertain significance (3); Likely benign (1). Last evaluated 2025-09-24.

Conditions:
Hereditary cancer-predisposing syndrome. Also called: Neoplastic Syndromes, Hereditary; Hereditary Cancer Syndrome; Tumor predisposition; Hereditary neoplastic syndrome. Identifiers: Orphanet 140162, MedGen C0027672, MeSH D009386, MONDO:0015356.

Allele frequency attached by ClinVar (database versions not stated): gnomAD below 0.00001 and 0.00001; gnomAD exomes below 0.00001; ExAC 0.00001.
gnomAD v4.1: 5 of 1,603,080 alleles (0.00031%); highest among the groups gnomAD compares: South Asian, 0.0044%; no homozygotes.

Submissions (4):

Labcorp Genetics (formerly Invitae), Labcorp
Classification: Likely benign. Last evaluated: 2025-09-24. Review status: criteria provided, single submitter. Criteria: Invitae Variant Classification Sherloc (09022015). Collection method: clinical testing. Allele origin: germline.

Ambry Genetics
Classification: Uncertain significance for Hereditary cancer-predisposing syndrome. Last evaluated: 2025-03-07. Review status: criteria provided, single submitter. Criteria: Ambry Variant Classification Scheme 2023. Collection method: clinical testing. Allele origin: germline.
Comment: The c.909+3G>C intronic variant results from a G to C substitution 3 nucleotides after coding exon 9 in the POLE gene. This nucleotide position is not well conserved in available vertebrate species. In silico splice site analysis predicts that this alteration will result in the creation or strengthening of a novel splice donor site. Based on the available evidence, the clinical significance of this variant remains unclear.

Quest Diagnostics Nichols Institute San Juan Capistrano
Classification: Uncertain significance. Last evaluated: 2024-07-24. Review status: criteria provided, single submitter. Criteria: Quest Diagnostics criteria. Collection method: clinical testing. Allele origin: unknown.
Comment: The POLE c.909+3G>C variant has not been reported in individuals with POLE-related conditions in the published literature. The frequency of this variant in the general population, 0.000004 (1/251324 chromosomes (Genome Aggregation Database)), is uninformative in the assessment of its pathogenicity. Analysis of this variant using software algorithms for the prediction of the effect of nucleotide changes on splicing yielded predictions that this variant may affect proper POLE mRNA splicing. Based on the available information, we are unable to determine the clinical significance of this variant.

GeneDx
Classification: Uncertain significance. Last evaluated: 2022-05-26. Review status: criteria provided, single submitter. Criteria: GeneDx Variant Classification Process June 2021. Collection method: clinical testing. Allele origin: germline. Affected: yes.
Comment: Not observed at significant frequency in large population cohorts (gnomAD); In silico analysis, which includes splice predictors and evolutionary conservation, suggests this variant may impact gene splicing. In the absence of RNA/functional studies, the actual effect of this sequence change is unknown.; Has not been previously published as pathogenic or benign to our knowledge

NM_006231.4(POLE):c.909+3G>C

Gene: POLE (DNA polymerase epsilon, catalytic subunit; minus strand). Cytogenetic location: 12q24.33.
Variant type: single nucleotide variant.
Coding change: c.909+3G>C on transcript NM_006231.4 (MANE Select); 3 bases into the intron after coding-DNA position 909, G replaced by C.
Molecular consequence: intron variant.
Genome position (GRCh38, 1-based): chr12:132,676,543, C>G on the plus strand (G>C on the coding strand, the complement: POLE is on the minus strand). VCF-style: chr12-132676543-C-G. GRCh37 (hg19) VCF-style: chr12-133253129-C-G.
Other names: c.909+3G>C (NM_006231.2).
Identifiers: ClinVar variation 971649 (VCV000971649.11), dbSNP rs769529344, ClinGen allele CA6894150.
Genomic context (GRCh38, chr12:132,676,543, plus strand): 5'-TAGTATGGGGACCAGACAAGGTCCCCATCCCAGGAGCTTACTTCCCAGAAGCCACCTGCT[C>G]ACCTGGCCATCGATCATGTAGGAAATCATCATAATCTGGTCTGTCTCAGCATCAGGAAAC-3'